The following is an entry in ClinVar:

ClinVar aggregate classification (germline): Uncertain significance (1 of 4 stars; one submission).

Conditions:
Dilated cardiomyopathy 1DD (CMD1DD). Identifiers: Orphanet 154, MedGen C2750995, MONDO:0013168, OMIM 613172.

gnomAD v4.1: 11 of 1,551,626 alleles (0.00071%); highest among the groups gnomAD compares: Non-Finnish European, 0.00096%; no homozygotes.

Submission:

Labcorp Genetics (formerly Invitae), Labcorp
Classification: Uncertain significance for Dilated cardiomyopathy 1DD. Last evaluated: 2021-05-05. Review status: criteria provided, single submitter. Criteria: Invitae Variant Classification Sherloc (09022015). Collection method: clinical testing. Allele origin: germline.
Comment: In summary, the available evidence is currently insufficient to determine the role of this variant in disease. Therefore, it has been classified as a Variant of Uncertain Significance. Advanced modeling of protein sequence and biophysical properties (such as structural, functional, and spatial information, amino acid conservation, physicochemical variation, residue mobility, and thermodynamic stability) performed at Invitae indicates that this missense variant is not expected to disrupt RBM20 protein function. This variant has not been reported in the literature in individuals with RBM20-related conditions. This variant is not present in population databases (ExAC no frequency). This sequence change replaces proline with arginine at codon 738 of the RBM20 protein (p.Pro738Arg). The proline residue is moderately conserved and there is a moderate physicochemical difference between proline and arginine.

NM_001134363.3(RBM20):c.2213C>G (p.Pro738Arg)

Gene: RBM20 (RNA binding motif protein 20; plus strand). Cytogenetic location: 10q25.2.
Variant type: single nucleotide variant.
Coding change: c.2213C>G on transcript NM_001134363.3 (MANE Select); coding-DNA position 2213, C replaced by G.
Protein change: p.Pro738Arg; replaces proline 738 with arginine.
Molecular consequence: missense variant.
Genome position (GRCh38, 1-based): chr10:110,812,610, C>G. VCF-style: chr10-110812610-C-G. GRCh37 (hg19) VCF-style: chr10-112572368-C-G.
Other names: short protein forms P738R.
Identifiers: ClinVar variation 1423797 (VCV001423797.8), dbSNP rs397516601, ClinGen allele CA378372733.